The following is an entry in ClinVar:

NM_194454.3(KRIT1):c.1201_1204del (p.Gln401fs)

Gene: KRIT1 (KRIT1 ankyrin repeat containing; minus strand). Cytogenetic location: 7q21.2.
Variant type: Microsatellite.
Coding change: c.1201_1204del on transcript NM_194454.3 (MANE Select); coding-DNA positions 1201 to 1204, 4 bases deleted (CAAA; older notation c.1201_1204delCAAA).
Protein change: p.Gln401fs; shifts the reading frame from glutamine 401.
Molecular consequence: frameshift variant.
Genome position (GRCh38, 1-based): chr7:92,225,770-92,225,773, TTTG deleted on the plus strand (CAAA on the coding strand, the reverse complement: KRIT1 is on the minus strand); deleting any 4 consecutive bases within chr7:92,225,770-92,225,780 gives the same sequence; the c. name uses the placement nearest the transcript's 3' end. VCF-style (leftmost placement, unchanged base first): chr7-92225769-TTTTG-T. GRCh37 (hg19) VCF-style: chr7-91855083-TTTTG-T.
Other names: p.Gln401Thrfs*10; c.1057_1060del, p.Gln353fs (NM_001013406.2, NM_001350669.1, NM_001350670.1); c.487_490del, p.Gln163fs (NM_001350671.1); c.1201_1204del, p.Gln401fs (NM_001350672.1, NM_001350673.1, NM_001350674.1 and 26 more transcripts); c.1201_1204delCAAA (NM_194456.1, NM_194454.3); short protein forms Q353fs, Q401fs, Q163fs.
Identifiers: ClinVar variation 372398 (VCV000372398.24), dbSNP rs1057517753, ClinGen allele CA16042598.

ClinVar aggregate classification (germline): Pathogenic. Review status: criteria provided, multiple submitters, no conflicts (2 of 4 stars). 8 submissions from 8 submitters: Pathogenic (6). 2 of the submissions do not count toward it. Last evaluated 2025-12-10.

Conditions:
Hereditary cavernous hemangioma of brain. Also called: Famililal cerebral cavernous malformations. Identifiers: Orphanet 221061, MedGen C2931263, MONDO:0031037.
KRIT1-related disorder. Also called: KRIT1-related disorders; KRIT1-related condition.
Cerebral cavernous malformation (CCM). Also called: Cerebral cavernous hemangioma (type); Cavernous Hemangioma of Brain; CAVERNOUS ANGIOMA, FAMILIAL; CAVERNOUS ANGIOMATOUS MALFORMATIONS; CEREBRAL CAPILLARY MALFORMATIONS; Cerebral cavernous malformations. Identifiers: Orphanet 221061, MedGen C2919945, MONDO:0000820, OMIM 116860, HP:0033522.

Submissions (8):

Labcorp Genetics (formerly Invitae), Labcorp
Classification: Pathogenic for Cerebral cavernous malformation. Last evaluated: 2025-12-10. Review status: criteria provided, single submitter. Criteria: Invitae Variant Classification Sherloc (09022015). Collection method: clinical testing. Allele origin: germline.
Comment: This sequence change creates a premature translational stop signal (p.Gln401Thrfs*10) in the KRIT1 gene. It is expected to result in an absent or disrupted protein product. Loss-of-function variants in KRIT1 are known to be pathogenic (PMID: 10508515, 11222804, 12404106, 24689081). This variant is not present in population databases (gnomAD no frequency). This premature translational stop signal has been observed in individual(s) with cerebral cavernous malformations (PMID: 2359550, 18300272, 20884211, 22699465, 27649701; internal data). This variant is also known as c.1197_1200delCAAA. ClinVar contains an entry for this variant (Variation ID: 372398). For these reasons, this variant has been classified as Pathogenic.

Mayo Clinic Laboratories, Mayo Clinic
Classification: Pathogenic. Last evaluated: 2024-06-05. Review status: criteria provided, single submitter. Criteria: ACMG Guidelines, 2015. Collection method: clinical testing. Allele origin: germline. Observed: 1 variant allele.
Comment: PP1_strong, PP4, PM2, PS4_moderate, PVS1

Blueprint Genetics
Classification: Pathogenic for KRIT1-related disorders. Last evaluated: 2024-02-15. Review status: criteria provided, single submitter. Criteria: ACMG Guidelines, 2015. Collection method: clinical testing. Allele origin: germline. Affected: yes. Observed: 5 variant alleles.

GeneDx
Classification: Pathogenic. Last evaluated: 2023-07-18. Review status: criteria provided, single submitter. Criteria: GeneDx Variant Classification Process June 2021. Collection method: clinical testing. Allele origin: germline. Affected: yes.
Comment: Frameshift variant predicted to result in protein truncation or nonsense mediated decay in a gene for which loss-of-function is a known mechanism of disease; Not observed at significant frequency in large population cohorts (gnomAD); This variant is associated with the following publications: (PMID: 23595507, 27649701, 22699465, 18300272, 20884211, 18383594, 33651268)

Genetics and Molecular Pathology, SA Pathology
Classification: Pathogenic for Hereditary cavernous hemangioma of brain. Last evaluated: 2022-06-20. Review status: criteria provided, single submitter. Criteria: ACMG Guidelines, 2015. Collection method: clinical testing. Allele origin: germline. Inheritance: Autosomal dominant inheritance. Affected: yes.

PreventionGenetics, part of Exact Sciences
Classification: Pathogenic. Last evaluated: 2016-06-14. Review status: criteria provided, single submitter. Criteria: ACMG Guidelines, 2015. Collection method: clinical testing. Allele origin: germline.

Laboratory of Medical Genetics, University of Torino
Classification: Pathogenic for Cerebral cavernous malformation. Last evaluated: 2021-10-06. Review status: no assertion criteria provided. Collection method: research. Allele origin: unknown. Affected: yes. Not counted in ClinVar's aggregate classification.

Centre for Mendelian Genomics, University Medical Centre Ljubljana
Classification: Uncertain significance for Cerebral cavernous malformation. Last evaluated: 2016-01-01. Review status: flagged submission. Criteria: ACMG Guidelines, 2015. Collection method: clinical testing. Allele origin: unknown. Affected: yes. Not counted in ClinVar's aggregate classification.
Comment: This variant was classified as: Uncertain significance. The following ACMG criteria were applied in classifying this variant: PM2,PP4,PP5.
ClinVar note: Reason: Outlier claim with insufficient supporting evidence

Literature cited by the submitters: PubMed 10508515 (cited by Labcorp Genetics (formerly Invitae), Labcorp); PubMed 11222804 (cited by Labcorp Genetics (formerly Invitae), Labcorp); PubMed 12404106 (cited by Labcorp Genetics (formerly Invitae), Labcorp); PubMed 24689081 (cited by Labcorp Genetics (formerly Invitae), Labcorp); PubMed 2359550 (cited by Labcorp Genetics (formerly Invitae), Labcorp); PubMed 18300272 (cited by Labcorp Genetics (formerly Invitae), Labcorp); PubMed 20884211 (cited by Labcorp Genetics (formerly Invitae), Labcorp and Mayo Clinic Laboratories, Mayo Clinic); PubMed 22699465 (cited by Labcorp Genetics (formerly Invitae), Labcorp and Mayo Clinic Laboratories, Mayo Clinic); PubMed 27649701 (cited by Labcorp Genetics (formerly Invitae), Labcorp and Mayo Clinic Laboratories, Mayo Clinic); PubMed 18383591 (cited by Mayo Clinic Laboratories, Mayo Clinic); PubMed 33651268 (cited by Mayo Clinic Laboratories, Mayo Clinic); PubMed 37336838 (cited by Mayo Clinic Laboratories, Mayo Clinic).